The following is an entry in ClinVar:

ClinVar aggregate classification (germline): Uncertain significance (1 of 4 stars; one submission).

gnomAD v4.1: 3 of 1,609,252 alleles (0.00019%); highest among the groups gnomAD compares: Admixed American, 0.0017%; no homozygotes.

Submission:

GeneDx
Classification: Uncertain significance. Last evaluated: 2024-02-17. Review status: criteria provided, single submitter. Criteria: GeneDx Variant Classification Process June 2021. Collection method: clinical testing. Allele origin: germline. Affected: yes.
Comment: Not observed at significant frequency in large population cohorts (gnomAD); In silico analysis supports that this missense variant has a deleterious effect on protein structure/function; Has not been previously published as pathogenic or benign to our knowledge

NM_001041.4(SI):c.2863T>C (p.Cys955Arg)

Gene: SI (sucrase-isomaltase; minus strand). Cytogenetic location: 3q26.1.
Variant type: single nucleotide variant.
Coding change: c.2863T>C on transcript NM_001041.4 (MANE Select); coding-DNA position 2863, T replaced by C.
Protein change: p.Cys955Arg; replaces cysteine 955 with arginine.
Molecular consequence: missense variant.
Genome position (GRCh38, 1-based): chr3:165,030,741, A>G on the plus strand (T>C on the coding strand, the complement: SI is on the minus strand). VCF-style: chr3-165030741-A-G. GRCh37 (hg19) VCF-style: chr3-164748529-A-G.
Other names: short protein forms C955R.
Identifiers: ClinVar variation 3369288 (VCV003369288.1).